The following is an entry in ClinVar:

NM_000494.4(COL17A1):c.2702-4G>T

Gene: COL17A1 (collagen type XVII alpha 1 chain; minus strand). Cytogenetic location: 10q25.1.
Variant type: single nucleotide variant.
Coding change: c.2702-4G>T on transcript NM_000494.4 (MANE Select); 4 bases into the intron before coding-DNA position 2702, G replaced by T.
Molecular consequence: intron variant.
Genome position (GRCh38, 1-based): chr10:104,040,414, C>A on the plus strand (G>T on the coding strand, the complement: COL17A1 is on the minus strand). VCF-style: chr10-104040414-C-A. GRCh37 (hg19) VCF-style: chr10-105800172-C-A.
Other names: c.2702-4G>T (NM_000494.3).
Identifiers: ClinVar variation 2716330 (VCV002716330.5), dbSNP rs369402357, ClinGen allele CA5678303.

ClinVar aggregate classification (germline): Benign. Review status: criteria provided, single submitter (1 of 4 stars). 2 submissions from 2 submitters: Benign (1). 1 of the submissions does not count toward it. Last evaluated 2024-03-14.

Conditions:
COL17A1-related disorder. Also called: COL17A1-related condition.

Allele frequency attached by ClinVar (database versions not stated): 1000 Genomes Project 30x 0.00062; ESP Exome Variant Server 0.00077; 1000 Genomes Project 0.00080.
gnomAD v4.1: 183 of 1,605,140 alleles (0.011%); highest among the groups gnomAD compares: African/African-American, 0.23%; no homozygotes.

Submissions (2):

Labcorp Genetics (formerly Invitae), Labcorp
Classification: Benign. Last evaluated: 2024-03-14. Review status: criteria provided, single submitter. Criteria: Invitae Variant Classification Sherloc (09022015). Collection method: clinical testing. Allele origin: germline.

PreventionGenetics, part of Exact Sciences
Classification: Likely benign for COL17A1-related condition. Last evaluated: 2019-06-13. Review status: no assertion criteria provided. Collection method: clinical testing. Allele origin: germline. Not counted in ClinVar's aggregate classification.
Comment: This variant is classified as likely benign based on ACMG/AMP sequence variant interpretation guidelines (Richards et al. 2015 PMID: 25741868, with internal and published modifications).